The following is an entry in ClinVar:

ClinVar aggregate classification (germline): Uncertain significance (1 of 4 stars; one submission).

Conditions:
Intellectual developmental disorder, autosomal dominant 42. Also called: GNB1 Encephalopathy; Intellectual disability, autosomal dominant 42; Global developmental delay-neuro-ophthalmological abnormalities-seizures-intellectual disability syndrome. Identifiers: Orphanet 488613, MedGen C4310774, MONDO:0014855, OMIM 616973.

gnomAD v4.1: 11 of 1,611,688 alleles (0.00068%); highest among the groups gnomAD compares: South Asian, 0.011%; no homozygotes.

Submission:

Neuberg Centre For Genomic Medicine, NCGM
Classification: Uncertain significance for Intellectual developmental disorder, autosomal dominant 42. Last evaluated: 2023-06-22. Review status: criteria provided, single submitter. Criteria: ACMG Guidelines, 2015. Collection method: clinical testing. Allele origin: germline. Inheritance: Autosomal dominant inheritance. Affected: yes.
Comment: The missense c.88C>T(p.Leu30Phe) variant in GNB1 gene has been reported in an individual affected with GNB1 related disorders (Lohmann K, et. al., 2017). This variant is present with an allele frequency of 0.001% in gnomAD Exomes. This variant has not been submitted to the ClinVar database. Computational evidence (Polyphen - Benign, SIFT - Tolerated and MutationTaster -Disease causing) predicts conflicting evidence on protein structure and function for this variant. The reference amino acid at this position in GNB1 is predicted as conserved by GERP++ and PhyloP across 100 vertebrates. The amino acid Leu at position 30 is changed to a Phe changing protein sequence and it might alter its composition and physico-chemical properties. For these reasons, this variant has been classified as Variant of Uncertain Significance (VUS).

NM_002074.5(GNB1):c.88C>T (p.Leu30Phe)

Gene: GNB1 (G protein subunit beta 1; minus strand). Cytogenetic location: 1p36.33.
Variant type: single nucleotide variant.
Coding change: c.88C>T on transcript NM_002074.5 (MANE Select); coding-DNA position 88, C replaced by T.
Protein change: p.Leu30Phe; replaces leucine 30 with phenylalanine.
Molecular consequence: missense variant. On other transcripts: intron variant (1).
Genome position (GRCh38, 1-based): chr1:1,817,845, G>A on the plus strand (C>T on the coding strand, the complement: GNB1 is on the minus strand). VCF-style: chr1-1817845-G-A. GRCh37 (hg19) VCF-style: chr1-1749284-G-A.
Other names: c.88C>T, p.Leu30Phe (NM_001282539.2); c.-98+7552C>T (NM_001282538.2); short protein forms L30F.
Identifiers: ClinVar variation 3731387 (VCV003731387.1).